The following is an entry in ClinVar:

ClinVar aggregate classification (germline): Conflicting classifications of pathogenicity. Review status: criteria provided, conflicting classifications (1 of 4 stars). 9 submissions from 9 submitters: Uncertain significance (7); Likely benign (1). 1 of the submissions does not count toward it. Last evaluated 2026-05-05.

Conditions:
Hereditary cancer-predisposing syndrome. Also called: Hereditary Cancer Syndrome; Tumor predisposition; Hereditary neoplastic syndrome; Neoplastic Syndromes, Hereditary. Identifiers: Orphanet 140162, MedGen C0027672, MeSH D009386, MONDO:0015356.
Classic or attenuated familial adenomatous polyposis. Identifiers: MedGen CN372698, MONDO:0021057.
Familial adenomatous polyposis 1 (FAP1). Also called: FAMILIAL ADENOMATOUS POLYPOSIS 1, ATTENUATED; POLYPOSIS, ADENOMATOUS INTESTINAL. Identifiers: MedGen C2713442, MONDO:0021056, OMIM 175100. Disease mechanism: loss of function.
Colon cancer. Also called: Malignant tumor of colon. Identifiers: MedGen C0007102, MONDO:0021063, HP:0003003.

Allele frequency attached by ClinVar (database versions not stated): gnomAD below 0.00001 and 0.00003; gnomAD exomes 0.00001; TOPMed 0.00001; ExAC 0.00002.

Submissions (9):

Ambry Genetics
Classification: Likely benign for Hereditary cancer-predisposing syndrome. Last evaluated: 2026-05-05. Review status: criteria provided, single submitter. Criteria: Ambry Variant Classification Scheme 2023. Collection method: clinical testing. Allele origin: germline.

Labcorp Genetics (formerly Invitae), Labcorp
Classification: Uncertain significance for Familial adenomatous polyposis 1. Last evaluated: 2026-01-15. Review status: criteria provided, single submitter. Criteria: Invitae Variant Classification Sherloc (09022015). Collection method: clinical testing. Allele origin: germline.
Comment: This variant, c.5026_5028del, results in the deletion of 1 amino acid(s) of the APC protein (p.Arg1676del), but otherwise preserves the integrity of the reading frame. This variant is present in population databases (rs768369050, gnomAD 0.006%). This variant has not been reported in the literature in individuals affected with APC-related conditions. ClinVar contains an entry for this variant (Variation ID: 411414). Experimental studies and prediction algorithms are not available or were not evaluated, and the functional significance of this variant is currently unknown. In summary, the available evidence is currently insufficient to determine the role of this variant in disease. Therefore, it has been classified as a Variant of Uncertain Significance.

GeneDx
Classification: Uncertain significance. Last evaluated: 2025-02-11. Review status: criteria provided, single submitter. Criteria: GeneDx Variant Classification Process June 2021. Collection method: clinical testing. Allele origin: germline. Affected: yes.
Comment: In-frame deletion of 1 amino acid in a non-repeat region; Not observed at significant frequency in large population cohorts (gnomAD); Observed in an individual with colon cancer (PMID: 31350202); This variant is associated with the following publications: (PMID: 18199528, 31350202, 38136308)

All of Us Research Program, National Institutes of Health
Classification: Uncertain significance for Classic or attenuated familial adenomatous polyposis. Last evaluated: 2024-07-20. Review status: criteria provided, single submitter. Criteria: ACMG Guidelines, 2015. Collection method: clinical testing. Allele origin: germline. Inheritance: Autosomal dominant inheritance. Observed: 1 variant allele, 1 heterozygote.
Comment: This variant causes an in-frame deletion of one amino acid at exon 16 of the APC protein. Splice site prediction tools suggest that this variant may not impact RNA splicing. To our knowledge, functional studies have not been performed for this variant. This variant has not been reported in individuals affected with hereditary cancer in the literature. This variant has been identified in 2/250196 chromosomes in the general population by the Genome Aggregation Database (gnomAD). The available evidence is insufficient to determine the role of this variant in disease conclusively. Therefore, this variant is classified as a Variant of Uncertain Significance.

This study involves interpretation of variants in research participants for the purpose of population health screening. Participant phenotype was not available at the time of variant classification. Additional details can be found in publication PMID: 35346344, PMCID: PMC8962531

Color Diagnostics, LLC DBA Color Health
Classification: Uncertain significance for Hereditary cancer-predisposing syndrome. Last evaluated: 2024-07-11. Review status: criteria provided, single submitter. Criteria: ACMG Guidelines, 2015. Collection method: clinical testing. Allele origin: germline.
Comment: This variant causes an in-frame deletion of one amino acid at exon 16 of the APC protein. To our knowledge, functional studies have not been reported for this variant. This variant has not been reported in individuals affected with APC-related disorders in the literature. This variant has been identified in 2/250196 chromosomes in the general population by the Genome Aggregation Database (gnomAD). The available evidence is insufficient to determine the role of this variant in disease conclusively. Therefore, this variant is classified as a Variant of Uncertain Significance.

ARUP Laboratories, Molecular Genetics and Genomics, ARUP Laboratories
Classification: Uncertain significance. Last evaluated: 2024-02-01. Review status: criteria provided, single submitter. Criteria: ARUP Molecular Germline Variant Investigation Process 2024. Collection method: clinical testing. Allele origin: germline.
Comment: The APC c.5026_5028del; p.Arg1676del variant (rs768369050) is reported in the literature in an individual affected with breast and ovarian cancer (Chrysafi 2023). This variant is reported in ClinVar (Variation ID: 411414). This variant is only observed on two alleles in the Genome Aggregation Database (v2.1.1), indicating it is not a common polymorphism. This variant deletes a single arginine residue leaving the rest of the protein in-frame. Due to limited information, the clinical significance of this variant is uncertain at this time. References: Chrysafi P et al. Prevalence of Variants of Uncertain Significance in Patients Undergoing Genetic Testing for Hereditary Breast and Ovarian Cancer and Lynch Syndrome. Cancers (Basel). 2023 Dec 8;15(24):5762. PMID: 38136308.

Revvity Omics, Revvity
Classification: Uncertain significance. Last evaluated: 2022-11-30. Review status: criteria provided, single submitter. Criteria: ACMG Guidelines, 2015. Collection method: clinical testing. Allele origin: germline.

Women's Health and Genetics/Laboratory Corporation of America, LabCorp
Classification: Uncertain significance. Last evaluated: 2018-03-30. Review status: criteria provided, single submitter. Criteria: LabCorp Variant Classification Summary - May 2015. Collection method: clinical testing. Allele origin: germline.
Comment: Variant summary: APC c.5026_5028delAGA (p.Arg1676del) results in an in-frame deletion that is predicted to remove Arg1676 from the encoded protein. The available data on variant occurrences in the general population are insufficient to allow any conclusion about variant significance. To our knowledge, no occurrence of c.5026_5028delAGA in individuals affected with Familial Adenomatous Polyposis and no experimental evidence demonstrating its impact on protein function have been reported. Two clinical diagnostic laboratories have submitted clinical-significance assessments for this variant to ClinVar after 2014 without evidence for independent evaluation and classified the variant as uncertain significance. Based on the evidence outlined above, the variant was classified as uncertain significance.

3DMed Clinical Laboratory Inc
Classification: Uncertain significance for Colon cancer. Last evaluated: 2017-04-24. Review status: no assertion criteria provided. Criteria: ACMG Guidelines, 2015. Collection method: clinical testing. Allele origin: germline. Affected: yes. Not counted in ClinVar's aggregate classification.

NM_000038.6(APC):c.5026_5028del (p.Arg1676del)

Gene: APC (APC regulator of Wnt signaling pathway; plus strand). Cytogenetic location: 5q22.2.
Variant type: Deletion.
Coding change: c.5026_5028del on transcript NM_000038.6 (MANE Select); coding-DNA positions 5026 to 5028, 3 bases deleted (AGA; older notation c.5026_5028delAGA).
Protein change: p.Arg1676del; deletes arginine 1676.
Molecular consequence: inframe deletion.
Genome position (GRCh38, 1-based): chr5:112,840,620-112,840,622, AGA deleted. VCF-style (leftmost placement, unchanged base first): chr5-112840619-TAGA-T. GRCh37 (hg19) VCF-style: chr5-112176316-TAGA-T.
Other names: c.5026_5028del, p.Arg1676del (NM_001127510.3, NM_001354895.2); c.4972_4974del, p.Arg1658del (NM_001127511.3); c.5080_5082del, p.Arg1694del (NM_001354896.2); c.5056_5058del, p.Arg1686del (NM_001354897.2); c.4951_4953del, p.Arg1651del (NM_001354898.2); c.4942_4944del, p.Arg1648del (NM_001354899.2); c.4903_4905del, p.Arg1635del (NM_001354900.2); c.4849_4851del, p.Arg1617del (NM_001354901.2); and 6 more; short protein forms R1676del, R1658del, R1516del, R1575del, R1585del, R1651del, R1686del, R1694del.
Identifiers: ClinVar variation 411414 (VCV000411414.29), dbSNP rs768369050, ClinGen allele CA3368170.